The following is an entry in ClinVar:

ClinVar aggregate classification (germline): Uncertain significance. Review status: criteria provided, multiple submitters, no conflicts (2 of 4 stars). 2 submissions from 2 submitters: Uncertain significance (2). Last evaluated 2024-11-20.

Conditions:
Cone-rod dystrophy 6 (CORD6). Also called: RETINAL CONE DYSTROPHY 2; Cone dystrophy progressive. Identifiers: Orphanet 1872, MedGen C1866293, MONDO:0011143, OMIM 601777.
Leber congenital amaurosis 1 (LCA1). Also called: RETINAL BLINDNESS, CONGENITAL; AMAUROSIS CONGENITA OF LEBER I; Congenital absence of the rods and cones; Leber's congenital tapetoretinal degeneration; Leber's congenital tapetoretinal dysplasia. Identifiers: Orphanet 65, MedGen C2931258, MONDO:0008764, OMIM 204000.
Inborn genetic diseases. Identifiers: MedGen C0950123, MeSH D030342.

Allele frequency attached by ClinVar (database versions not stated): gnomAD exomes below 0.00001; gnomAD 0.00001.
gnomAD v4.1: 2 of 1,526,190 alleles (0.00013%); highest among the groups gnomAD compares: African/African-American, 0.0014%; no homozygotes.

Submissions (2):

Ambry Genetics
Classification: Uncertain significance for Inborn genetic diseases. Last evaluated: 2024-11-20. Review status: criteria provided, single submitter. Criteria: Ambry Variant Classification Scheme 2023. Collection method: clinical testing. Allele origin: germline.

Labcorp Genetics (formerly Invitae), Labcorp
Classification: Uncertain significance for Leber congenital amaurosis 1; Cone-rod dystrophy 6. Last evaluated: 2022-07-18. Review status: criteria provided, single submitter. Criteria: Invitae Variant Classification Sherloc (09022015). Collection method: clinical testing. Allele origin: germline.
Comment: This sequence change replaces arginine, which is basic and polar, with cysteine, which is neutral and slightly polar, at codon 6 of the GUCY2D protein (p.Arg6Cys). This variant is not present in population databases (gnomAD no frequency). This missense change has been observed in individual(s) with GUCY2D-related conditions (Invitae). ClinVar contains an entry for this variant (Variation ID: 1377678). Algorithms developed to predict the effect of missense changes on protein structure and function are either unavailable or do not agree on the potential impact of this missense change (SIFT: "Deleterious"; PolyPhen-2: "Benign"; Align-GVGD: "Class C0"). In summary, the available evidence is currently insufficient to determine the role of this variant in disease. Therefore, it has been classified as a Variant of Uncertain Significance.

NM_000180.4(GUCY2D):c.16C>T (p.Arg6Cys)

Gene: GUCY2D (guanylate cyclase 2D, retinal; plus strand). Cytogenetic location: 17p13.1.
Variant type: single nucleotide variant.
Coding change: c.16C>T on transcript NM_000180.4 (MANE Select); coding-DNA position 16, C replaced by T.
Protein change: p.Arg6Cys; replaces arginine 6 with cysteine.
Molecular consequence: missense variant.
Genome position (GRCh38, 1-based): chr17:8,003,063, C>T. VCF-style: chr17-8003063-C-T. GRCh37 (hg19) VCF-style: chr17-7906381-C-T.
Other names: c.16C>T (NM_000180.3); short protein forms R6C.
Identifiers: ClinVar variation 1377678 (VCV001377678.6), dbSNP rs1975657387, ClinGen allele CA397942302.